The following is an entry in ClinVar:

NM_021620.4(PRDM13):c.442T>C (p.Tyr148His)

Gene: PRDM13 (PR/SET domain 13; plus strand). Cytogenetic location: 6q16.2.
Variant type: single nucleotide variant.
Coding change: c.442T>C on transcript NM_021620.4 (MANE Select); coding-DNA position 442, T replaced by C.
Protein change: p.Tyr148His; replaces tyrosine 148 with histidine.
Molecular consequence: missense variant.
Genome position (GRCh38, 1-based): chr6:99,613,077, T>C. VCF-style: chr6-99613077-T-C. GRCh37 (hg19) VCF-style: chr6-100060953-T-C.
Other names: short protein forms Y148H.
Identifiers: ClinVar variation 3616022 (VCV003616022.2).

ClinVar aggregate classification (germline): Uncertain significance (1 of 4 stars; one submission).

gnomAD v4.1: 39 of 1,613,702 alleles (0.0024%); highest among the groups gnomAD compares: Non-Finnish European, 0.0031%; no homozygotes.

Submission:

Labcorp Genetics (formerly Invitae), Labcorp
Classification: Uncertain significance. Last evaluated: 2024-07-02. Review status: criteria provided, single submitter. Criteria: Invitae Variant Classification Sherloc (09022015). Collection method: clinical testing. Allele origin: germline.
Comment: This sequence change replaces tyrosine, which is neutral and polar, with histidine, which is basic and polar, at codon 148 of the PRDM13 protein (p.Tyr148His). This variant is present in population databases (rs374602504, gnomAD 0.003%). This variant has not been reported in the literature in individuals affected with PRDM13-related conditions. An algorithm developed to predict the effect of missense changes on protein structure and function (PolyPhen-2) suggests that this variant is likely to be disruptive. In summary, the available evidence is currently insufficient to determine the role of this variant in disease. Therefore, it has been classified as a Variant of Uncertain Significance.